The following is an entry in ClinVar:

ClinVar aggregate classification (germline): Uncertain significance (1 of 4 stars; one submission).

Conditions:
Hereditary spastic paraplegia 75. Also called: Spastic paraplegia 75, autosomal recessive. Identifiers: Orphanet 459056, MedGen C4225250, MONDO:0014729, OMIM 616680.

Allele frequency attached by ClinVar (database versions not stated): TOPMed 0.00001; gnomAD 0.00002; ESP Exome Variant Server 0.00008.
gnomAD v4.1: 23 of 1,613,810 alleles (0.0014%); highest among the groups gnomAD compares: Non-Finnish European, 0.0017%; no homozygotes.

Submission:

Labcorp Genetics (formerly Invitae), Labcorp
Classification: Uncertain significance for Hereditary spastic paraplegia 75. Last evaluated: 2024-10-15. Review status: criteria provided, single submitter. Criteria: Invitae Variant Classification Sherloc (09022015). Collection method: clinical testing. Allele origin: germline.
Comment: This sequence change replaces arginine, which is basic and polar, with histidine, which is basic and polar, at codon 90 of the MAG protein (p.Arg90His). This variant is present in population databases (rs201990546, gnomAD 0.002%). This variant has not been reported in the literature in individuals affected with MAG-related conditions. ClinVar contains an entry for this variant (Variation ID: 2059579). Invitae Evidence Modeling of protein sequence and biophysical properties (such as structural, functional, and spatial information, amino acid conservation, physicochemical variation, residue mobility, and thermodynamic stability) indicates that this missense variant is not expected to disrupt MAG protein function with a negative predictive value of 80%. In summary, the available evidence is currently insufficient to determine the role of this variant in disease. Therefore, it has been classified as a Variant of Uncertain Significance.

NM_002361.4(MAG):c.269G>A (p.Arg90His)

Gene: MAG (myelin associated glycoprotein; plus strand). Cytogenetic location: 19q13.12.
Variant type: single nucleotide variant.
Coding change: c.269G>A on transcript NM_002361.4 (MANE Select); coding-DNA position 269, G replaced by A.
Protein change: p.Arg90His; replaces arginine 90 with histidine.
Molecular consequence: missense variant.
Genome position (GRCh38, 1-based): chr19:35,295,835, G>A. VCF-style: chr19-35295835-G-A. GRCh37 (hg19) VCF-style: chr19-35786738-G-A.
Other names: c.194G>A, p.Arg65His (NM_001199216.2); c.269G>A, p.Arg90His (NM_080600.3); short protein forms R65H, R90H.
Identifiers: ClinVar variation 2059579 (VCV002059579.3), dbSNP rs201990546, ClinGen allele CA9375964.